The following is an entry in ClinVar:

ClinVar aggregate classification (germline): Uncertain significance (1 of 4 stars; one submission).

gnomAD v4.1: 21 of 1,614,078 alleles (0.0013%); highest among the groups gnomAD compares: Non-Finnish European, 0.0018%; no homozygotes.

Submission:

Labcorp Genetics (formerly Invitae), Labcorp
Classification: Uncertain significance. Last evaluated: 2025-05-11. Review status: criteria provided, single submitter. Criteria: Invitae Variant Classification Sherloc (09022015). Collection method: clinical testing. Allele origin: germline.
Comment: This sequence change replaces glutamic acid, which is acidic and polar, with lysine, which is basic and polar, at codon 409 of the KIF22 protein (p.Glu409Lys). This variant is present in population databases (rs769617481, gnomAD 0.0009%). This variant has not been reported in the literature in individuals affected with KIF22-related conditions. Invitae Evidence Modeling of protein sequence and biophysical properties (such as structural, functional, and spatial information, amino acid conservation, physicochemical variation, residue mobility, and thermodynamic stability) indicates that this missense variant is not expected to disrupt KIF22 protein function with a negative predictive value of 80%. In summary, the available evidence is currently insufficient to determine the role of this variant in disease. Therefore, it has been classified as a Variant of Uncertain Significance.

NM_007317.3(KIF22):c.1225G>A (p.Glu409Lys)

Gene: KIF22 (kinesin family member 22; plus strand). Cytogenetic location: 16p11.2.
Variant type: single nucleotide variant.
Coding change: c.1225G>A on transcript NM_007317.3 (MANE Select); coding-DNA position 1225, G replaced by A.
Protein change: p.Glu409Lys; replaces glutamic acid 409 with lysine.
Molecular consequence: missense variant.
Genome position (GRCh38, 1-based): chr16:29,799,993, G>A. VCF-style: chr16-29799993-G-A. GRCh37 (hg19) VCF-style: chr16-29811314-G-A.
Other names: c.1021G>A, p.Glu341Lys (NM_001256269.2, NM_001256270.1); short protein forms E341K, E409K.
Identifiers: ClinVar variation 4691592 (VCV004691592.1).
Genomic context (GRCh38, chr16:29,799,993, plus strand): 5'-TCTCAGAAAGAATTGCTTGGTCCACCAGAGGCAAAGAGAGCCCGAGGCCCTGAGGAAGAG[G>A]AGATCGGGAGCCCTGAGCCCATGGCAGCTCCAGCCTCTGCCTCCCAGAAACTCAGGTGAG-3'
Protein context (NP_015556.1, residues 399-419): AKRARGPEEE[Glu409Lys]IGSPEPMAAP